The following is an entry in ClinVar:

NM_004281.4(BAG3):c.580A>G (p.Ser194Gly)

Gene: BAG3 (BAG cochaperone 3; plus strand). Cytogenetic location: 10q26.11.
Variant type: single nucleotide variant.
Coding change: c.580A>G on transcript NM_004281.4 (MANE Select); coding-DNA position 580, A replaced by G.
Protein change: p.Ser194Gly; replaces serine 194 with glycine.
Molecular consequence: missense variant.
Genome position (GRCh38, 1-based): chr10:119,672,327, A>G. VCF-style: chr10-119672327-A-G. GRCh37 (hg19) VCF-style: chr10-121431839-A-G.
Other names: short protein forms S194G.
Identifiers: ClinVar variation 1749833 (VCV001749833.6), dbSNP rs1847161939, ClinGen allele CA378295376.

ClinVar aggregate classification (germline): Uncertain significance. Review status: criteria provided, multiple submitters, no conflicts (2 of 4 stars). 3 submissions from 3 submitters: Uncertain significance (3). Last evaluated 2025-02-21.

Conditions:
Cardiovascular phenotype. Identifiers: MedGen CN230736.
Dilated cardiomyopathy 1HH (CMD1HH). Identifiers: Orphanet 154, MedGen C3151293, MONDO:0013479, OMIM 613881.
Myofibrillar myopathy 6. Identifiers: Orphanet 199340, MedGen C2751831, MONDO:0013061, OMIM 612954.

Allele frequency attached by ClinVar (database versions not stated): gnomAD exomes below 0.00001; TOPMed below 0.00001.

Submissions (3):

GeneDx
Classification: Uncertain significance. Last evaluated: 2025-02-21. Review status: criteria provided, single submitter. Criteria: GeneDx Variant Classification Process June 2021. Collection method: clinical testing. Allele origin: germline. Affected: yes.
Comment: Not observed at significant frequency in large population cohorts (gnomAD); In silico analysis indicates that this missense variant does not alter protein structure/function; Has not been previously published as pathogenic or benign to our knowledge

Labcorp Genetics (formerly Invitae), Labcorp
Classification: Uncertain significance for Dilated cardiomyopathy 1HH; Myofibrillar myopathy 6. Last evaluated: 2024-07-22. Review status: criteria provided, single submitter. Criteria: Invitae Variant Classification Sherloc (09022015). Collection method: clinical testing. Allele origin: germline.
Comment: This sequence change replaces serine, which is neutral and polar, with glycine, which is neutral and non-polar, at codon 194 of the BAG3 protein (p.Ser194Gly). This variant is not present in population databases (gnomAD no frequency). This variant has not been reported in the literature in individuals affected with BAG3-related conditions. ClinVar contains an entry for this variant (Variation ID: 1749833). Advanced modeling of protein sequence and biophysical properties (such as structural, functional, and spatial information, amino acid conservation, physicochemical variation, residue mobility, and thermodynamic stability) performed at Invitae indicates that this missense variant is not expected to disrupt BAG3 protein function with a negative predictive value of 80%. In summary, the available evidence is currently insufficient to determine the role of this variant in disease. Therefore, it has been classified as a Variant of Uncertain Significance.

Ambry Genetics
Classification: Uncertain significance for Cardiovascular phenotype. Last evaluated: 2020-09-11. Review status: criteria provided, single submitter. Criteria: Ambry Variant Classification Scheme 2023. Collection method: clinical testing. Allele origin: germline.
Comment: The p.S194G variant (also known as c.580A>G), located in coding exon 3 of the BAG3 gene, results from an A to G substitution at nucleotide position 580. The serine at codon 194 is replaced by glycine, an amino acid with similar properties. This amino acid position is not well conserved in available vertebrate species, and glycine is the reference amino acid in other vertebrate species. In addition, this alteration is predicted to be tolerated by in silico analysis. Since supporting evidence is limited at this time, the clinical significance of this alteration remains unclear.